The following is an entry in ClinVar:

NM_018486.3(HDAC8):c.911-3C>T

Gene: HDAC8 (histone deacetylase 8; minus strand). Cytogenetic location: Xq13.1.
Variant type: single nucleotide variant.
Coding change: c.911-3C>T on transcript NM_018486.3 (MANE Select); 3 bases into the intron before coding-DNA position 911, C replaced by T.
Molecular consequence: intron variant. On other transcripts: synonymous variant (1).
Genome position (GRCh38, 1-based): chrX:72,462,101, G>A on the plus strand (C>T on the coding strand, the complement: HDAC8 is on the minus strand). VCF-style: chrX-72462101-G-A. GRCh37 (hg19) VCF-style: chrX-71681951-G-A.
Other names: c.912C>T, p.Asp304= (NM_001410729.1); c.638-3C>T (NM_001166418.2, NM_001410728.1); c.833-3C>T (NM_001410727.1); c.911-3C>T (NM_001410725.1).
Identifiers: ClinVar variation 3729710 (VCV003729710.2).
Genomic context (GRCh38, chrX:72,462,101, plus strand): 5'-AGGATGACCCCGGTCAAGTATGTCCAGCATCGAGCCGTGTTGGCAAGGTTATAGCCTCCT[G>A]TCTCCATCAAGAATTGTGAAGTTAGGAAAGAATAGTCATAAAACAGCAGGAGAGGGAAGG-3'

ClinVar aggregate classification (germline): Uncertain significance (1 of 4 stars; one submission).

Conditions:
Cornelia de Lange syndrome 5 (CDLS5). Also called: HDAC8-Related Cornelia de Lange Syndrome. Identifiers: Orphanet 199, MedGen C3550903, MONDO:0010471, OMIM 300882.

Submission:

Labcorp Genetics (formerly Invitae), Labcorp
Classification: Uncertain significance for Cornelia de Lange syndrome 5. Last evaluated: 2025-01-28. Review status: criteria provided, single submitter. Criteria: Invitae Variant Classification Sherloc (09022015). Collection method: clinical testing. Allele origin: germline.
Comment: This sequence change falls in intron 8 of the HDAC8 gene. It does not directly change the encoded amino acid sequence of the HDAC8 protein. It affects a nucleotide within the consensus splice site. This variant is not present in population databases (gnomAD no frequency). This variant has not been reported in the literature in individuals affected with HDAC8-related conditions. Variants that disrupt the consensus splice site are a relatively common cause of aberrant splicing (PMID: 17576681, 9536098). Algorithms developed to predict the effect of sequence changes on RNA splicing suggest that this variant is not likely to affect RNA splicing. In summary, the available evidence is currently insufficient to determine the role of this variant in disease. Therefore, it has been classified as a Variant of Uncertain Significance.

Literature cited by the submitters: PubMed 17576681; PubMed 9536098.